The following is an entry in ClinVar:

ClinVar aggregate classification (germline): Uncertain significance. Review status: criteria provided, multiple submitters, no conflicts (2 of 4 stars). 5 submissions from 5 submitters: Uncertain significance (5). Last evaluated 2025-10-13.

Conditions:
Hereditary cancer-predisposing syndrome. Also called: Tumor predisposition; Hereditary neoplastic syndrome; Hereditary Cancer Syndrome; Neoplastic Syndromes, Hereditary. Identifiers: Orphanet 140162, MedGen C0027672, MeSH D009386, MONDO:0015356.
Lynch syndrome 4 (LYNCH4). Also called: Hereditary non-polyposis colorectal cancer, type 4; Colorectal cancer, hereditary nonpolyposis, type 4. Identifiers: Orphanet 144, MedGen C1838333, MONDO:0013699, OMIM 614337. Disease mechanism: loss of function.
Hereditary nonpolyposis colorectal neoplasms. Identifiers: MedGen C0009405, MeSH D003123.

Allele frequency attached by ClinVar (database versions not stated): ExAC 0.00001.
gnomAD v4.1: 5 of 1,611,852 alleles (0.00031%); highest among the groups gnomAD compares: Non-Finnish European, 0.00042%; no homozygotes.

Submissions (5):

Color Diagnostics, LLC DBA Color Health
Classification: Uncertain significance for Hereditary cancer-predisposing syndrome. Last evaluated: 2025-10-13. Review status: criteria provided, single submitter. Criteria: ACMG Guidelines, 2015. Collection method: clinical testing. Allele origin: germline.
Comment: This missense variant replaces histidine with aspartic acid at codon 126 of the PMS2 protein. Computational prediction suggests that this variant may have deleterious impact on protein structure and function. To our knowledge, functional studies have not been reported for this variant. This variant has not been reported in individuals affected with PMS2-related disorders in the literature. This variant has been identified in 5/1459506 chromosomes in the general population by the Genome Aggregation Database (gnomAD). The available evidence is insufficient to determine the role of this variant in disease conclusively. Therefore, this variant is classified as a Variant of Uncertain Significance.

Ambry Genetics
Classification: Uncertain significance for Hereditary cancer-predisposing syndrome. Last evaluated: 2025-06-25. Review status: criteria provided, single submitter. Criteria: Ambry Variant Classification Scheme 2023. Collection method: clinical testing. Allele origin: germline.
Comment: The p.H126D variant (also known as c.376C>G), located in coding exon 5 of the PMS2 gene, results from a C to G substitution at nucleotide position 376. The histidine at codon 126 is replaced by aspartic acid, an amino acid with similar properties. This amino acid position is highly conserved in available vertebrate species. In addition, this alteration is predicted to be deleterious by in silico analysis. Based on the available evidence, the clinical significance of this variant remains unclear.

Labcorp Genetics (formerly Invitae), Labcorp
Classification: Uncertain significance for Hereditary nonpolyposis colorectal neoplasms. Last evaluated: 2025-01-07. Review status: criteria provided, single submitter. Criteria: Invitae Variant Classification Sherloc (09022015). Collection method: clinical testing. Allele origin: germline.
Comment: This sequence change replaces histidine, which is basic and polar, with aspartic acid, which is acidic and polar, at codon 126 of the PMS2 protein (p.His126Asp). This variant is not present in population databases (gnomAD no frequency). This variant has not been reported in the literature in individuals affected with PMS2-related conditions. ClinVar contains an entry for this variant (Variation ID: 578118). Invitae Evidence Modeling incorporating data from in vitro experimental studies (internal data) indicates that this missense variant is not expected to disrupt PMS2 function with a negative predictive value of 95%. In summary, the available evidence is currently insufficient to determine the role of this variant in disease. Therefore, it has been classified as a Variant of Uncertain Significance.

Institute for Clinical Genetics, University Hospital TU Dresden, University Hospital TU Dresden
Classification: Uncertain significance. Last evaluated: 2021-11-03. Review status: criteria provided, single submitter. Criteria: ACMG Guidelines, 2015. Collection method: clinical testing. Allele origin: germline.

Institute of Medical Genetics and Applied Genomics, University Hospital Tübingen
Classification: Uncertain significance for Lynch syndrome 4. Last evaluated: 2021-09-16. Review status: criteria provided, single submitter. Criteria: ACMG Guidelines, 2015. Collection method: clinical testing. Allele origin: germline. Affected: yes.

NM_000535.7(PMS2):c.376C>G (p.His126Asp)

Gene: PMS2 (PMS1 homolog 2, mismatch repair system component; minus strand). Cytogenetic location: 7p22.1.
Variant type: single nucleotide variant.
Coding change: c.376C>G on transcript NM_000535.7 (MANE Select); coding-DNA position 376, C replaced by G.
Protein change: p.His126Asp; replaces histidine 126 with aspartic acid.
Molecular consequence: missense variant. On other transcripts: 5 prime UTR variant (8), non-coding transcript variant (1).
Genome position (GRCh38, 1-based): chr7:6,002,614, G>C on the plus strand (C>G on the coding strand, the complement: PMS2 is on the minus strand). VCF-style: chr7-6002614-G-C. GRCh37 (hg19) VCF-style: chr7-6042245-G-C.
Other names: c.-30C>G (NM_001322009.2, NM_001322010.2, NM_001322013.2 and 3 more transcripts); c.-509C>G (NM_001322011.2, NM_001322012.2); c.376C>G, p.His126Asp (NM_001322014.2, NM_001322006.2); c.67C>G, p.His23Asp (NM_001322015.2); c.58C>G, p.His20Asp (NM_001322007.2, NM_001322008.2); short protein forms H126D, H20D, H23D.
Identifiers: ClinVar variation 578118 (VCV000578118.16), dbSNP rs774135207, ClinGen allele CA049604.
Genomic context (GRCh38, chr7:6,002,614, plus strand): 5'-TCTGGATAATTTTCCCATTGTGATCAAACATCAGTCGAGTTCCAACCTTCGCCGATGCGT[G>C]GCAGGTAGAAATGGTGACATCGCTGTGAGAGAATACCAGGCATGGTGTGTTCAGTGAGAG-3'
Protein context (NP_000526.2, residues 116-136): ALSDVTISTC[His126Asp]ASAKVGTRLM